The following is an entry in ClinVar:

NM_000038.6(APC):c.4951T>A (p.Phe1651Ile)

Gene: APC (APC regulator of Wnt signaling pathway; plus strand). Cytogenetic location: 5q22.2.
Variant type: single nucleotide variant.
Coding change: c.4951T>A on transcript NM_000038.6 (MANE Select); coding-DNA position 4951, T replaced by A.
Protein change: p.Phe1651Ile; replaces phenylalanine 1651 with isoleucine.
Molecular consequence: missense variant. On other transcripts: non-coding transcript variant (2).
Genome position (GRCh38, 1-based): chr5:112,840,545, T>A. VCF-style: chr5-112840545-T-A. GRCh37 (hg19) VCF-style: chr5-112176242-T-A.
Other names: c.4828T>A, p.Phe1610Ile (NM_001354900.2); c.4774T>A, p.Phe1592Ile (NM_001354901.2, NM_001407453.1); c.4678T>A, p.Phe1560Ile (NM_001354902.2); c.4648T>A, p.Phe1550Ile (NM_001354903.2, NM_001407458.1, NM_001407459.1 and 1 more transcripts); c.4573T>A, p.Phe1525Ile (NM_001354904.2); c.4471T>A, p.Phe1491Ile (NM_001354905.2); c.4102T>A, p.Phe1368Ile (NM_001354906.2, NM_001407470.1); c.5035T>A, p.Phe1679Ile (NM_001407446.1); and 11 more; short protein forms F1592I, F1641I, F1267I, F1522I, F1568I, F1610I, F1651I, F1491I.
Identifiers: ClinVar variation 5025310 (VCV005025310.1).

ClinVar aggregate classification (germline): Uncertain significance (1 of 4 stars; one submission).

Conditions:
Hereditary cancer-predisposing syndrome. Also called: Neoplastic Syndromes, Hereditary; Tumor predisposition; Hereditary neoplastic syndrome; Hereditary Cancer Syndrome. Identifiers: Orphanet 140162, MedGen C0027672, MeSH D009386, MONDO:0015356.

Submission:

Ambry Genetics
Classification: Uncertain significance for Hereditary cancer-predisposing syndrome. Last evaluated: 2026-07-07. Review status: criteria provided, single submitter. Criteria: Ambry Variant Classification Scheme 2023. Collection method: clinical testing. Allele origin: germline.
Comment: The p.F1651I variant (also known as c.4951T>A), located in coding exon 15 of the APC gene, results from a T to A substitution at nucleotide position 4951. The phenylalanine at codon 1651 is replaced by isoleucine, an amino acid with highly similar properties. This amino acid position is conserved. In addition, in silico predictors for this gene do not accurately predict pathogenicity. Based on the available evidence, the clinical significance of this variant remains unclear.